The following is an entry in ClinVar:

NC_000009.12:g.(?_127819612)_(127820047_?)dup

Gene: ENG (endoglin; minus strand). Cytogenetic location: 9q34.11.
Variant type: Duplication.
Identifiers: ClinVar variation 831832 (VCV000831832.7).

ClinVar aggregate classification (germline): Uncertain significance (1 of 4 stars; one submission).

Conditions:
Hereditary hemorrhagic telangiectasia (HHT). Also called: ORW DISEASE; Osler Weber Rendu syndrome; OSLER-RENDU-WEBER DISEASE; Osler hemorrhagic telangiectasia syndrome. Identifiers: Orphanet 774, MedGen C0039445, MONDO:0019180. Disease mechanism: loss of function.

Submission:

Labcorp Genetics (formerly Invitae), Labcorp
Classification: Uncertain significance for Hereditary hemorrhagic telangiectasia. Last evaluated: 2021-10-05. Review status: criteria provided, single submitter. Criteria: Invitae Variant Classification Sherloc (09022015). Collection method: clinical testing. Allele origin: germline.
Comment: In summary, the available evidence is currently insufficient to determine the role of this variant in disease. Therefore, it has been classified as a Variant of Uncertain Significance. Experimental studies and prediction algorithms are not available or were not evaluated, and the functional significance of this variant is currently unknown. A similar copy number variant has been observed in individuals with clinical features of hereditary hemorrhagic telangiectasia (Invitae). This variant results in a copy number gain of the genomic region encompassing exon(s) 9-10 of the ENG gene. While the exact position of this variant cannot be determined from the data, sub-genic copy number gains are generally in tandem (PMID: 25640679). This variant is predicted to be in-frame, and likely preserves the integrity of the reading frame.

Literature cited by the submitters: PubMed 25640679.